The following is an entry in ClinVar:

ClinVar aggregate classification (germline): Conflicting classifications of pathogenicity. Review status: criteria provided, conflicting classifications (1 of 4 stars). 4 submissions from 4 submitters: Uncertain significance (1); Likely benign (3). Last evaluated 2026-01-28.

Conditions:
Autosomal recessive limb-girdle muscular dystrophy type 2Q (LGMDR17). Also called: MUSCULAR DYSTROPHY, LIMB-GIRDLE, AUTOSOMAL RECESSIVE 17. Identifiers: Orphanet 254361, MedGen C3150989, MONDO:0013390, OMIM 613723.
Epidermolysis bullosa simplex 5B, with muscular dystrophy (EBS5B). Also called: EPIDERMOLYSIS BULLOSA SIMPLEX AND LIMB-GIRDLE MUSCULAR DYSTROPHY; Epidermolysis bullosa simplex with muscular dystrophy. Identifiers: Orphanet 257, MedGen C2931072, MONDO:0009181, OMIM 226670.
Epidermolysis bullosa simplex, Ogna type (EBS5A). Also called: Pidermolysis bullosa simplex 5A, Ogna type; EPIDERMOLYSIS BULLOSA SIMPLEX 5A, OGNA TYPE. Identifiers: Orphanet 79401, MedGen C0432317, MONDO:0007555, OMIM 131950.
Epidermolysis bullosa simplex with nail dystrophy (EBS5D). Identifiers: MedGen C4225309, MONDO:0014661, OMIM 616487.
Epidermolysis bullosa simplex 5C, with pyloric atresia (EBS5C). Also called: PLEC-Related Epidermolysis Bullosa with Pyloric Atresia; Epidermolysis bullosa simplex with pyloric atresia; PLEC1-Related Epidermolysis Bullosa with Pyloric Atresia. Identifiers: Orphanet 158684, MedGen C2677349, MONDO:0012807, OMIM 612138.
PLEC-related disorder. Also called: PLEC-related disorders; PLEC-related condition.

Allele frequency attached by ClinVar (database versions not stated): gnomAD exomes 0.00004 and 0.00005; TOPMed 0.00004; ExAC 0.00005; gnomAD 0.00008 and 0.00009.
gnomAD v4.1: 71 of 1,594,702 alleles (0.0045%); highest among the groups gnomAD compares: East Asian, 0.018%; no homozygotes.

Submissions (4):

PreventionGenetics, part of Exact Sciences
Classification: Likely benign for PLEC-related condition. Last evaluated: 2026-01-28. Review status: criteria provided, single submitter. Criteria: ACMG Guidelines, 2015. Collection method: clinical testing. Allele origin: germline.
Comment: This variant is classified as likely benign based on ACMG/AMP sequence variant interpretation guidelines (Richards et al. 2015 PMID: 25741868, with internal and published modifications).

Blueprint Genetics
Classification: Likely benign. Last evaluated: 2024-10-22. Review status: criteria provided, single submitter. Criteria: ACMG Guidelines, 2015. Collection method: clinical testing. Allele origin: germline.

Labcorp Genetics (formerly Invitae), Labcorp
Classification: Likely benign for Autosomal recessive limb-girdle muscular dystrophy type 2Q; Epidermolysis bullosa simplex, Ogna type; Epidermolysis bullosa simplex with nail dystrophy; Epidermolysis bullosa simplex 5C, with pyloric atresia; Epidermolysis bullosa simplex 5B, with muscular dystrophy. Last evaluated: 2023-11-06. Review status: criteria provided, single submitter. Criteria: Invitae Variant Classification Sherloc (09022015). Collection method: clinical testing. Allele origin: germline.

Eurofins Ntd Llc (ga)
Classification: Uncertain significance. Last evaluated: 2017-01-12. Review status: criteria provided, single submitter. Criteria: EGL Classification Definitions 2015. Collection method: clinical testing. Allele origin: germline. Observed: 1 variant allele, 1 heterozygote.

NM_201384.3(PLEC):c.5610G>A (p.Ala1870=)

Gene: PLEC (plectin; minus strand). Cytogenetic location: 8q24.3.
Variant type: single nucleotide variant.
Coding change: c.5610G>A on transcript NM_201384.3 (MANE Select); coding-DNA position 5610, G replaced by A.
Protein change: p.Ala1870=; no amino-acid change (alanine 1870 retained).
Molecular consequence: synonymous variant.
Genome position (GRCh38, 1-based): chr8:143,924,319, C>T on the plus strand (G>A on the coding strand, the complement: PLEC is on the minus strand). VCF-style: chr8-143924319-C-T. GRCh37 (hg19) VCF-style: chr8-144998487-C-T.
Other names: c.5691G>A, p.Ala1897= (NM_000445.5); c.5568G>A, p.Ala1856= (NM_201378.4); c.5544G>A, p.Ala1848= (NM_201379.3); c.6021G>A, p.Ala2007= (NM_201380.4); c.5514G>A, p.Ala1838= (NM_201381.3); c.5610G>A, p.Ala1870= (NM_201382.4); c.5622G>A, p.Ala1874= (NM_201383.3).
Identifiers: ClinVar variation 499636 (VCV000499636.13), dbSNP rs782258533, ClinGen allele CA4926302.